The following is an entry in ClinVar:

NM_003091.4(SNRPB):c.4-3C>T

Gene: SNRPB (small nuclear ribonucleoprotein polypeptides B and B1; minus strand). Cytogenetic location: 20p13.
Variant type: single nucleotide variant.
Coding change: c.4-3C>T on transcript NM_003091.4 (MANE Select); 3 bases into the intron before coding-DNA position 4, C replaced by T.
Molecular consequence: intron variant.
Genome position (GRCh38, 1-based): chr20:2,467,761, G>A on the plus strand (C>T on the coding strand, the complement: SNRPB is on the minus strand). VCF-style: chr20-2467761-G-A. GRCh37 (hg19) VCF-style: chr20-2448407-G-A.
Other names: c.4-3C>T (NM_198216.2).
Identifiers: ClinVar variation 4765650 (VCV004765650.1).
Genomic context (GRCh38, chr20:2,467,761, plus strand): 5'-GGATGCACCTCATCCTGTAATCAATATGCTGCAGCATCTTGCTGCTCTTGCCCACCGTCT[G>A]CAAGGAGAAATGGACAGGGATGAGACTCTGCTCTTTTGGACCCAAGCACCTCTGGCCCTC-3'

ClinVar aggregate classification (germline): Uncertain significance (1 of 4 stars; one submission).

gnomAD v4.1: 2 of 1,613,644 alleles (0.00012%); highest among the groups gnomAD compares: South Asian, 0.0011%; no homozygotes.

Submission:

Labcorp Genetics (formerly Invitae), Labcorp
Classification: Uncertain significance. Last evaluated: 2025-09-01. Review status: criteria provided, single submitter. Criteria: Invitae Variant Classification Sherloc (09022015). Collection method: clinical testing. Allele origin: germline.
Comment: This sequence change falls in intron 1 of the SNRPB gene. It does not directly change the encoded amino acid sequence of the SNRPB protein. It affects a nucleotide within the consensus splice site. This variant is not present in population databases (gnomAD no frequency). This variant has not been reported in the literature in individuals affected with SNRPB-related conditions. Variants that disrupt the consensus splice site are a relatively common cause of aberrant splicing (PMID: 17576681, 9536098). Algorithms developed to predict the effect of sequence changes on RNA splicing suggest that this variant is not likely to affect RNA splicing. In summary, the available evidence is currently insufficient to determine the role of this variant in disease. Therefore, it has been classified as a Variant of Uncertain Significance.

Literature cited by the submitters: PubMed 17576681; PubMed 9536098.